The following is an entry in ClinVar:

ClinVar aggregate classification (germline): Uncertain significance (1 of 4 stars; one submission).

gnomAD v4.1: 1 of 1,581,420 alleles (0.000063%); highest among the groups gnomAD compares: Admixed American, 0.0018%; no homozygotes.

Submission:

Labcorp Genetics (formerly Invitae), Labcorp
Classification: Uncertain significance. Last evaluated: 2024-06-12. Review status: criteria provided, single submitter. Criteria: Invitae Variant Classification Sherloc (09022015). Collection method: clinical testing. Allele origin: germline.
Comment: This sequence change replaces alanine, which is neutral and non-polar, with serine, which is neutral and polar, at codon 821 of the COL11A2 protein (p.Ala821Ser). This variant is not present in population databases (gnomAD no frequency). This variant has not been reported in the literature in individuals affected with COL11A2-related conditions. Advanced modeling of protein sequence and biophysical properties (such as structural, functional, and spatial information, amino acid conservation, physicochemical variation, residue mobility, and thermodynamic stability) performed at Invitae indicates that this missense variant is not expected to disrupt COL11A2 protein function with a negative predictive value of 95%. In summary, the available evidence is currently insufficient to determine the role of this variant in disease. Therefore, it has been classified as a Variant of Uncertain Significance.

NM_080680.3(COL11A2):c.2461G>T (p.Ala821Ser)

Gene: COL11A2 (collagen type XI alpha 2 chain; minus strand). Cytogenetic location: 6p21.32.
Variant type: single nucleotide variant.
Coding change: c.2461G>T on transcript NM_080680.3 (MANE Select); coding-DNA position 2461, G replaced by T.
Protein change: p.Ala821Ser; replaces alanine 821 with serine.
Molecular consequence: missense variant.
Genome position (GRCh38, 1-based): chr6:33,174,188, C>A on the plus strand (G>T on the coding strand, the complement: COL11A2 is on the minus strand). VCF-style: chr6-33174188-C-A. GRCh37 (hg19) VCF-style: chr6-33141965-C-A.
Other names: c.2281G>T, p.Ala761Ser (NM_001424108.1); c.1615G>T, p.Ala539Ser (NM_001424109.1); c.1435G>T, p.Ala479Ser (NM_001424110.1, NM_001424111.1); c.415G>T, p.Ala139Ser (NM_001424112.1); c.2140G>T, p.Ala714Ser (NM_080679.3); c.2203G>T, p.Ala735Ser (NM_080681.3); short protein forms A479S, A139S, A539S, A821S, A714S, A735S, A761S.
Identifiers: ClinVar variation 2710363 (VCV002710363.3), dbSNP rs750515531, ClinGen allele CA363643715.